The following is an entry in ClinVar:

NM_003091.4(SNRPB):c.643A>G (p.Met215Val)

Gene: SNRPB (small nuclear ribonucleoprotein polypeptides B and B1; minus strand). Cytogenetic location: 20p13.
Variant type: single nucleotide variant.
Coding change: c.643A>G on transcript NM_003091.4 (MANE Select); coding-DNA position 643, A replaced by G.
Protein change: p.Met215Val; replaces methionine 215 with valine.
Molecular consequence: missense variant.
Genome position (GRCh38, 1-based): chr20:2,462,678, T>C on the plus strand (A>G on the coding strand, the complement: SNRPB is on the minus strand). VCF-style: chr20-2462678-T-C. GRCh37 (hg19) VCF-style: chr20-2443324-T-C.
Other names: c.643A>G, p.Met215Val (NM_198216.2); short protein forms M215V.
Identifiers: ClinVar variation 3675544 (VCV003675544.2).
Genomic context (GRCh38, chr20:2,462,678, plus strand): 5'-ACCACTGCAGGCACTTACCTCGCATCCCAGGGGGAGGAGGCCGCATTCCCGGAGGGGGCA[T>C]GCCCATTGGAGTCCCTCTTCCAGGGGGGATCCCCATTGGGGGACCCATAGGAGGTCTCAT-3'
Protein context (NP_003082.1, residues 205-225): IPPGRGTPMG[Met215Val]PPPGMRPPPP

ClinVar aggregate classification (germline): Uncertain significance (1 of 4 stars; one submission).

Submission:

Labcorp Genetics (formerly Invitae), Labcorp
Classification: Uncertain significance. Last evaluated: 2024-09-08. Review status: criteria provided, single submitter. Criteria: Invitae Variant Classification Sherloc (09022015). Collection method: clinical testing. Allele origin: germline.
Comment: This sequence change replaces methionine, which is neutral and non-polar, with valine, which is neutral and non-polar, at codon 215 of the SNRPB protein (p.Met215Val). This variant is not present in population databases (gnomAD no frequency). This variant has not been reported in the literature in individuals affected with SNRPB-related conditions. Experimental studies and prediction algorithms are not available or were not evaluated, and the functional significance of this variant is currently unknown. In summary, the available evidence is currently insufficient to determine the role of this variant in disease. Therefore, it has been classified as a Variant of Uncertain Significance.